The following is an entry in ClinVar:

NM_032119.4(ADGRV1):c.16164A>G (p.Arg5388=)

Gene: ADGRV1 (adhesion G protein-coupled receptor V1; plus strand). Cytogenetic location: 5q14.3.
Variant type: single nucleotide variant.
Coding change: c.16164A>G on transcript NM_032119.4 (MANE Select); coding-DNA position 16164, A replaced by G.
Protein change: p.Arg5388=; no amino-acid change (arginine 5388 retained).
Molecular consequence: synonymous variant. On other transcripts: non-coding transcript variant (1).
Genome position (GRCh38, 1-based): chr5:90,815,704, A>G. VCF-style: chr5-90815704-A-G. GRCh37 (hg19) VCF-style: chr5-90111521-A-G.
Other names: p.R5388R:AGA>AGG; p.Arg5388=.
Identifiers: ClinVar variation 46283 (VCV000046283.21), dbSNP rs41304884, ClinGen allele CA138053.

ClinVar aggregate classification (germline): Benign. Review status: criteria provided, multiple submitters, no conflicts (2 of 4 stars). 6 submissions from 6 submitters: Benign (6). Last evaluated 2026-02-04.

Conditions:
Usher syndrome type 2C. Also called: Usher syndrome, type 2B; USHER SYNDROME, TYPE IIC. Identifiers: Orphanet 231178, Orphanet 886, MedGen C2931213, MONDO:0011558, OMIM 605472.

Allele frequency attached by ClinVar (database versions not stated): gnomAD 0.01242 and 0.01380; TOPMed 0.01287; 1000 Genomes Project 0.01458; 1000 Genomes Project 30x 0.01468; ESP Exome Variant Server 0.01571; gnomAD exomes 0.01705 and 0.01716; ExAC 0.03112.
gnomAD v4.1: 26,402 of 1,566,476 alleles (1.7%); highest among the groups gnomAD compares: Middle Eastern, 4.8%; 329 homozygotes.

Submissions (6):

Labcorp Genetics (formerly Invitae), Labcorp
Classification: Benign. Last evaluated: 2026-02-04. Review status: criteria provided, single submitter. Criteria: Invitae Variant Classification Sherloc (09022015). Collection method: clinical testing. Allele origin: germline.

Mayo Clinic Laboratories, Mayo Clinic
Classification: Benign. Last evaluated: 2019-05-14. Review status: criteria provided, single submitter. Criteria: ACMG Guidelines, 2015. Collection method: clinical testing. Allele origin: germline. Observed: 5 variant alleles.

Illumina Laboratory Services, Illumina
Classification: Benign for Usher syndrome type 2C. Last evaluated: 2018-01-13. Review status: criteria provided, single submitter. Criteria: ICSL Variant Classification Criteria 13 December 2019. Collection method: clinical testing. Allele origin: germline.
Comment: This variant was observed in the ICSL laboratory as part of a predisposition screen in an ostensibly healthy population. It had not been previously curated by ICSL or reported in the Human Gene Mutation Database (HGMD: prior to June 1st, 2018), and was therefore a candidate for classification through an automated scoring system. Utilizing variant allele frequency, disease prevalence and penetrance estimates, and inheritance mode, an automated score was calculated to assess if this variant is too frequent to cause the disease. Based on the score and internal cut-off values, a variant classified as benign is not then subjected to further curation. The score for this variant resulted in a classification of benign for this disease.

Genetic Services Laboratory, University of Chicago
Classification: Benign. Last evaluated: 2013-08-27. Review status: criteria provided, single submitter. Criteria: ACMG Guidelines, 2007. Collection method: clinical testing. Allele origin: germline. Inheritance: Autosomal dominant inheritance.
Comment: Likely benign based on allele frequency in 1000 Genomes Project or ESP global frequency and its presence in a patient with a rare or unrelated disease phenotype. NOT Sanger confirmed

GeneDx
Classification: Benign. Last evaluated: 2013-04-10. Review status: criteria provided, single submitter. Criteria: GeneDx Variant Classification (06012015). Collection method: clinical testing. Allele origin: germline. Affected: yes.
Comment: This variant is considered likely benign or benign based on one or more of the following criteria: it is a conservative change, it occurs at a poorly conserved position in the protein, it is predicted to be benign by multiple in silico algorithms, and/or has population frequency not consistent with disease.

Laboratory for Molecular Medicine, Mass General Brigham Personalized Medicine
Classification: Benign. Last evaluated: 2012-04-30. Review status: criteria provided, single submitter. Criteria: LMM Criteria. Collection method: clinical testing. Allele origin: germline. Observed: 64 variant alleles.
Comment: Arg5388Arg in exon 75 of GPR98: This variant is not expected to have clinical si gnificance because it does not alter an amino acid residue, is not located withi n the splice consensus sequence, has been identified in 0.2% (13/6503) of Europe an American chromosomes and 0.8% (27/3116) of African American chromosomes from a broad population by the NHLBI Exome sequencing project (dbSNP rs41304884), and is reported as benign (Le Quesne Stabel 201 2).

Literature cited by the submitters: PubMed 22135276 (cited by Laboratory for Molecular Medicine, Mass General Brigham Personalized Medicine).